The following is an entry in ClinVar:

NM_018979.4(WNK1):c.1823C>G (p.Ser608Cys)

Gene: WNK1 (WNK lysine deficient protein kinase 1; plus strand). Cytogenetic location: 12p13.33.
Variant type: single nucleotide variant.
Coding change: c.1823C>G on transcript NM_018979.4 (MANE Select); coding-DNA position 1823, C replaced by G.
Protein change: p.Ser608Cys; replaces serine 608 with cysteine.
Molecular consequence: missense variant.
Genome position (GRCh38, 1-based): chr12:861,215, C>G. VCF-style: chr12-861215-C-G. GRCh37 (hg19) VCF-style: chr12-970381-C-G.
Other names: p.Ser608Cys; c.1823C>G, p.Ser608Cys (NM_001184985.2, NM_014823.3, NM_213655.5); short protein forms S608C.
Identifiers: ClinVar variation 538509 (VCV000538509.10), dbSNP rs1455320237, ClinGen allele CA383335418.
Genomic context (GRCh38, chr12:861,215, plus strand): 5'-GTCTCAAACAGCAGGTAGAACAATCCAGTGCTTCCCAGACAGGAATCAAGCAGCTCCCTT[C>G]TGCTAGCACCGGCATACCTACTGCTTCTACCACTTCAGCTTCAGTTTCTACACAAGTAGA-3'
Protein context (NP_061852.3, residues 598-618): ASQTGIKQLP[Ser608Cys]ASTGIPTAST

ClinVar aggregate classification (germline): Uncertain significance. Review status: criteria provided, multiple submitters, no conflicts (2 of 4 stars). 3 submissions from 3 submitters: Uncertain significance (3). Last evaluated 2025-11-17.

Conditions:
Neuropathy, hereditary sensory and autonomic, type 2A (HSAN2A). Also called: HSAN IIA; WNK1-Related HSAN2 (HSAN2A); MORVAN DISEASE; NEUROPATHY, CONGENITAL SENSORY; NEUROPATHY, HEREDITARY SENSORY RADICULAR, AUTOSOMAL RECESSIVE; NEUROPATHY, HEREDITARY SENSORY, TYPE IIA. Identifiers: Orphanet 970, MedGen C2752089, MONDO:0024309, OMIM 201300.
Pseudohypoaldosteronism type 2C (PHA2C). Also called: Pseudohypoaldosteronism Type IIC. Identifiers: Orphanet 757, Orphanet 88940, MedGen C1840391, MONDO:0013778, OMIM 614492.

Allele frequency attached by ClinVar (database versions not stated): gnomAD exomes 0.00003 and 0.00008; gnomAD 0.00001; TOPMed 0.00001.
gnomAD v4.1: 114 of 1,614,020 alleles (0.0071%); highest among the groups gnomAD compares: Non-Finnish European, 0.0095%; no homozygotes.

Submissions (3):

Labcorp Genetics (formerly Invitae), Labcorp
Classification: Uncertain significance for Neuropathy, hereditary sensory and autonomic, type 2A; Pseudohypoaldosteronism type 2C. Last evaluated: 2025-11-17. Review status: criteria provided, single submitter. Criteria: Invitae Variant Classification Sherloc (09022015). Collection method: clinical testing. Allele origin: germline.
Comment: This sequence change replaces serine, which is neutral and polar, with cysteine, which is neutral and slightly polar, at codon 608 of the WNK1 protein (p.Ser608Cys). This variant is present in population databases (no rsID available, gnomAD 0.006%). This variant has not been reported in the literature in individuals affected with WNK1-related conditions. ClinVar contains an entry for this variant (Variation ID: 538509). Invitae Evidence Modeling of protein sequence and biophysical properties (such as structural, functional, and spatial information, amino acid conservation, physicochemical variation, residue mobility, and thermodynamic stability) indicates that this missense variant is not expected to disrupt WNK1 protein function with a negative predictive value of 95%. In summary, the available evidence is currently insufficient to determine the role of this variant in disease. Therefore, it has been classified as a Variant of Uncertain Significance.

Mayo Clinic Laboratories, Mayo Clinic
Classification: Uncertain significance. Last evaluated: 2025-01-23. Review status: criteria provided, single submitter. Criteria: ACMG Guidelines, 2015. Collection method: clinical testing. Allele origin: germline. Observed: 1 variant allele.
Comment: BP4

Fulgent Genetics
Classification: Uncertain significance for Neuropathy, hereditary sensory and autonomic, type 2A; Pseudohypoaldosteronism type 2C. Last evaluated: 2022-03-24. Review status: criteria provided, single submitter. Criteria: ACMG Guidelines, 2015. Collection method: clinical testing. Allele origin: unknown.